The following is an entry in ClinVar:

NM_004260.4(RECQL4):c.2694G>C (p.Met898Ile)

Gene: RECQL4 (RecQ like helicase 4; minus strand). Cytogenetic location: 8q24.3.
Variant type: single nucleotide variant.
Coding change: c.2694G>C on transcript NM_004260.4 (MANE Select); coding-DNA position 2694, G replaced by C.
Protein change: p.Met898Ile; replaces methionine 898 with isoleucine.
Molecular consequence: missense variant.
Genome position (GRCh38, 1-based): chr8:144,512,908, C>G on the plus strand (G>C on the coding strand, the complement: RECQL4 is on the minus strand). VCF-style: chr8-144512908-C-G. GRCh37 (hg19) VCF-style: chr8-145738291-C-G.
Other names: c.2694G>C (NM_004260.3); short protein forms M898I.
Identifiers: ClinVar variation 1363798 (VCV001363798.7), dbSNP rs1382869672, ClinGen allele CA372675175.
Genomic context (GRCh38, chr8:144,512,908, plus strand): 5'-CTCCTCCGGCATGTCCAAAGCCTGTACGGTAAGCTGTATTGGGAGTGCCCGCTCATGGCC[C>G]ATGCAGACCCTTCTGGGTCCTGGGGCTGCTTGGTGGCTAAGCTGCTCAGCCTCTTGAGGG-3'
Protein context (NP_004251.4, residues 888-908): QAAPGPRRVC[Met898Ile]GHERALPIQL

ClinVar aggregate classification (germline): Uncertain significance. Review status: criteria provided, multiple submitters, no conflicts (2 of 4 stars). 2 submissions from 2 submitters: Uncertain significance (2). Last evaluated 2025-06-02.

Conditions:
Baller-Gerold syndrome (BGS). Also called: CRANIOSYNOSTOSIS WITH RADIAL DEFECTS. Identifiers: Orphanet 1225, MedGen C0265308, MONDO:0009039, OMIM 218600.

Allele frequency attached by ClinVar (database versions not stated): gnomAD exomes below 0.00001; gnomAD 0.00001 and 0.00002; TOPMed 0.00002.
gnomAD v4.1: 3 of 1,587,814 alleles (0.00019%); highest among the groups gnomAD compares: African/African-American, 0.004%; no homozygotes.

Submissions (2):

GeneDx
Classification: Uncertain significance. Last evaluated: 2025-06-02. Review status: criteria provided, single submitter. Criteria: GeneDx Variant Classification Process June 2021. Collection method: clinical testing. Allele origin: germline. Affected: yes.
Comment: Not observed at significant frequency in large population cohorts (gnomAD); In silico analysis suggests that this missense variant does not alter protein structure/function; Has not been previously published as pathogenic or benign to our knowledge

Labcorp Genetics (formerly Invitae), Labcorp
Classification: Uncertain significance for Baller-Gerold syndrome. Last evaluated: 2022-02-20. Review status: criteria provided, single submitter. Criteria: Invitae Variant Classification Sherloc (09022015). Collection method: clinical testing. Allele origin: germline.
Comment: This variant is present in population databases (no rsID available, gnomAD 0.009%). This sequence change replaces methionine, which is neutral and non-polar, with isoleucine, which is neutral and non-polar, at codon 898 of the RECQL4 protein (p.Met898Ile). This variant has not been reported in the literature in individuals affected with RECQL4-related conditions. Experimental studies and prediction algorithms are not available or were not evaluated, and the functional significance of this variant is currently unknown. In summary, the available evidence is currently insufficient to determine the role of this variant in disease. Therefore, it has been classified as a Variant of Uncertain Significance.